The following is an entry in ClinVar:

NM_000095.3(COMP):c.257G>T (p.Arg86Leu)

Gene: COMP (cartilage oligomeric matrix protein; minus strand). Cytogenetic location: 19p13.11.
Variant type: single nucleotide variant.
Coding change: c.257G>T on transcript NM_000095.3 (MANE Select); coding-DNA position 257, G replaced by T.
Protein change: p.Arg86Leu; replaces arginine 86 with leucine.
Molecular consequence: missense variant.
Genome position (GRCh38, 1-based): chr19:18,790,075, C>A on the plus strand (G>T on the coding strand, the complement: COMP is on the minus strand). VCF-style: chr19-18790075-C-A. GRCh37 (hg19) VCF-style: chr19-18900884-C-A.
Other names: short protein forms R86L.
Identifiers: ClinVar variation 4689228 (VCV004689228.2).
Genomic context (GRCh38, chr19:18,790,075, plus strand): 5'-TCCGTCTGGATGCAGGCCACGCCGGGGAAGCAGAAGCCGGGCGCGCAGTGGAGCAGGGGC[C>A]GCACGCTGGGTAGGCCGGTGCGTACTGACTGCTGCATCCCTGCGGGGGGGAGGGGGGAGA-3'
Protein context (NP_000086.2, residues 76-96): QSVRTGLPSV[Arg86Leu]PLLHCAPGFC

ClinVar aggregate classification (germline): Uncertain significance. Review status: criteria provided, multiple submitters, no conflicts (2 of 4 stars). 2 submissions from 2 submitters: Uncertain significance (2). Last evaluated 2026-01-20.

gnomAD v4.1: 10 of 1,546,484 alleles (0.00065%); highest among the groups gnomAD compares: South Asian, 0.0012%; no homozygotes.

Submissions (2):

Women's Health and Genetics/Laboratory Corporation of America, LabCorp
Classification: Uncertain significance. Last evaluated: 2026-01-20. Review status: criteria provided, single submitter. Criteria: LabCorp Variant Classification Summary - May 2015. Collection method: clinical testing. Allele origin: germline.
Comment: Variant summary: COMP c.257G>T (p.Arg86Leu) results in a non-conservative amino acid change in the encoded protein sequence. Algorithms developed to predict the effect of missense changes on protein structure and function are either unavailable or do not agree on the potential impact of this missense change. The variant allele was found at a frequency of 7e-06 in 142552 control chromosomes. The available data on variant occurrences in the general population are insufficient to allow any conclusion about variant significance. To our knowledge, no occurrence of c.257G>T in individuals affected with COMP-related conditions and no experimental evidence demonstrating its impact on protein function have been reported. No submitters have cited clinical-significance assessments for this variant to ClinVar. Based on the evidence outlined above, the variant was classified as uncertain significance.

Labcorp Genetics (formerly Invitae), Labcorp
Classification: Uncertain significance. Last evaluated: 2026-01-11. Review status: criteria provided, single submitter. Criteria: Invitae Variant Classification Sherloc (09022015). Collection method: clinical testing. Allele origin: germline.
Comment: This sequence change replaces arginine, which is basic and polar, with leucine, which is neutral and non-polar, at codon 86 of the COMP protein (p.Arg86Leu). This variant is present in population databases (rs538226042, gnomAD 0.004%). This variant has not been reported in the literature in individuals affected with COMP-related conditions. Invitae Evidence Modeling of protein sequence and biophysical properties (such as structural, functional, and spatial information, amino acid conservation, physicochemical variation, residue mobility, and thermodynamic stability) indicates that this missense variant is not expected to disrupt COMP protein function with a negative predictive value of 95%. In summary, the available evidence is currently insufficient to determine the role of this variant in disease. Therefore, it has been classified as a Variant of Uncertain Significance.